The following is an entry in ClinVar:

NM_144991.3(TSPEAR):c.1338C>A (p.Gly446=)

Gene: TSPEAR (thrombospondin type laminin G domain and EAR repeats; minus strand). Cytogenetic location: 21q22.3.
Variant type: single nucleotide variant.
Coding change: c.1338C>A on transcript NM_144991.3 (MANE Select); coding-DNA position 1338, C replaced by A.
Protein change: p.Gly446=; no amino-acid change (glycine 446 retained).
Molecular consequence: synonymous variant.
Genome position (GRCh38, 1-based): chr21:44,522,111, G>T on the plus strand (C>A on the coding strand, the complement: TSPEAR is on the minus strand). VCF-style: chr21-44522111-G-T. GRCh37 (hg19) VCF-style: chr21-45941994-G-T.
Other names: c.1134C>A, p.Gly378= (NM_001272037.2).
Identifiers: ClinVar variation 228045 (VCV000228045.5), dbSNP rs148471285, ClinGen allele CA10056606.

ClinVar aggregate classification (germline): Likely benign (1 of 4 stars; one submission).

Allele frequency attached by ClinVar (database versions not stated): TOPMed 0.00001; gnomAD 0.00003.
gnomAD v4.1: 17 of 1,613,720 alleles (0.0011%); highest among the groups gnomAD compares: South Asian, 0.0022%; no homozygotes.

Submission:

Laboratory for Molecular Medicine, Mass General Brigham Personalized Medicine
Classification: Likely benign. Last evaluated: 2016-04-07. Review status: criteria provided, single submitter. Criteria: LMM Criteria. Collection method: clinical testing. Allele origin: germline. Observed: 1 variant allele.
Comment: p.Gly446Gly in exon 9 of TSPEAR: This variant is not expected to have clinical s ignificance because it does not alter an amino acid residue and is not located w ithin the splice consensus sequence. It has been identified in 1/66464 of Europe an chromosomes by the Exome Aggregation Consortium (ExAC; dbSNP rs148471285).